The following is an entry in ClinVar:

ClinVar aggregate classification (germline): Uncertain significance (1 of 4 stars; one submission).

Conditions:
Immunodeficiency 39 (IMD39). Identifiers: Orphanet 574918, MedGen C4225358, MONDO:0014597, OMIM 616345.

Submission:

Labcorp Genetics (formerly Invitae), Labcorp
Classification: Uncertain significance for Immunodeficiency 39. Last evaluated: 2025-10-26. Review status: criteria provided, single submitter. Criteria: Invitae Variant Classification Sherloc (09022015). Collection method: clinical testing. Allele origin: germline.
Comment: This sequence change affects a splice site in intron 3 of the IRF7 gene. It is expected to disrupt RNA splicing. Variants that disrupt the donor or acceptor splice site typically lead to a loss of protein function (PMID: 16199547), however the current clinical and genetic evidence is not sufficient to establish whether loss-of-function variants in IRF7 cause disease. This variant is not present in population databases (gnomAD no frequency). This variant has not been reported in the literature in individuals affected with IRF7-related conditions. Algorithms developed to predict the effect of sequence changes on RNA splicing suggest that this variant may disrupt the consensus splice site. In summary, the available evidence is currently insufficient to determine the role of this variant in disease. Therefore, it has been classified as a Variant of Uncertain Significance.

Literature cited by the submitters: PubMed 16199547.

NM_001572.5(IRF7):c.453_453+1dup

Gene: IRF7 (interferon regulatory factor 7; minus strand). Cytogenetic location: 11p15.5.
Variant type: Duplication.
Coding change: c.453_453+1dup on transcript NM_001572.5 (MANE Select); coding-DNA position 453 through the canonical splice donor site of the intron after coding-DNA position 453, 2 bases duplicated (GG; older notation c.453_453+1dupGG).
Molecular consequence: splice donor variant. On other transcripts: intron variant (1).
Genome position (GRCh38, 1-based): chr11:614,475-614,476, CC duplicated on the plus strand (GG on the coding strand, the reverse complement: IRF7 is on the minus strand). VCF-style (leftmost placement, unchanged base first): chr11-614474-A-ACC. GRCh37 (hg19) VCF-style: chr11-614474-A-ACC.
Other names: c.394+321_394+322dup (NM_001440446.1); c.450_450+1dup (NM_001440445.1, NM_001440442.1); c.453_453+1dup (NM_004029.4); c.489_489+1dup (NM_001440440.1); c.492_492+1dup (NM_001440444.1, NM_004031.4).
Identifiers: ClinVar variation 4729517 (VCV004729517.1).